The following is an entry in ClinVar:

NM_004655.4(AXIN2):c.435C>A (p.Val145=)

Gene: AXIN2 (axin 2; minus strand). Cytogenetic location: 17q24.1.
Variant type: single nucleotide variant.
Coding change: c.435C>A on transcript NM_004655.4 (MANE Select); coding-DNA position 435, C replaced by A.
Protein change: p.Val145=; no amino-acid change (valine 145 retained).
Molecular consequence: synonymous variant.
Genome position (GRCh38, 1-based): chr17:65,558,186, G>T on the plus strand (C>A on the coding strand, the complement: AXIN2 is on the minus strand). VCF-style: chr17-65558186-G-T. GRCh37 (hg19) VCF-style: chr17-63554304-G-T.
Other names: c.435C>A (LRG_296t1); c.435C>A, p.Val145= (NM_001363813.1).
Identifiers: ClinVar variation 240022 (VCV000240022.23), dbSNP rs111470596, ClinGen allele CA8719049.

ClinVar aggregate classification (germline): Benign/Likely benign. Review status: criteria provided, multiple submitters, no conflicts (2 of 4 stars). 7 submissions from 7 submitters: Benign (2); Likely benign (4). 1 of the submissions does not count toward it. Last evaluated 2026-01-26.

Conditions:
AXIN2-related disorder.
Hereditary cancer-predisposing syndrome. Also called: Tumor predisposition; Hereditary Cancer Syndrome; Neoplastic Syndromes, Hereditary; Hereditary neoplastic syndrome. Identifiers: Orphanet 140162, MedGen C0027672, MeSH D009386, MONDO:0015356.
Oligodontia-cancer predisposition syndrome. Also called: TOOTH AGENESIS-COLORECTAL CANCER SYNDROME. Identifiers: Orphanet 300576, MedGen C1837750, MONDO:0012075, OMIM 608615. Disease mechanism: loss of function.

Allele frequency attached by ClinVar (database versions not stated): gnomAD 0.00013; ESP Exome Variant Server 0.00015; 1000 Genomes Project 30x 0.00016; TOPMed 0.00030.
gnomAD v4.1: 59 of 1,614,106 alleles (0.0037%); highest among the groups gnomAD compares: African/African-American, 0.073%; no homozygotes.

Submissions (7):

Labcorp Genetics (formerly Invitae), Labcorp
Classification: Likely benign for Oligodontia-cancer predisposition syndrome. Last evaluated: 2026-01-26. Review status: criteria provided, single submitter. Criteria: Invitae Variant Classification Sherloc (09022015). Collection method: clinical testing. Allele origin: germline.

CeGaT Center for Human Genetics Tuebingen
Classification: Likely benign. Last evaluated: 2025-10-01. Review status: criteria provided, single submitter. Criteria: CeGaT Center For Human Genetics Tuebingen Variant Classification Criteria Version 2. Collection method: clinical testing. Allele origin: germline. Affected: yes. Observed: 1 variant allele.
Comment: AXIN2: BP4, BP7

Myriad Genetics, Inc.
Classification: Benign for Oligodontia-cancer predisposition syndrome. Last evaluated: 2024-06-26. Review status: criteria provided, single submitter. Criteria: Myriad Autosomal Dominant, Autosomal Recessive and X-Linked Classification Criteria (2023). Collection method: clinical testing. Allele origin: unknown.
Comment: This variant is considered benign. This variant is a silent/synonymous amino acid change and it is not expected to impact splicing.

Sema4
Classification: Benign for Hereditary cancer-predisposing syndrome. Last evaluated: 2021-03-26. Review status: criteria provided, single submitter. Criteria: Sema4 Curation Guidelines. Collection method: curation. Allele origin: germline.

Ambry Genetics
Classification: Likely benign for Hereditary cancer-predisposing syndrome. Last evaluated: 2019-12-02. Review status: criteria provided, single submitter. Criteria: Ambry Variant Classification Scheme 2023. Collection method: clinical testing. Allele origin: germline.

GeneDx
Classification: Likely benign. Last evaluated: 2019-08-27. Review status: criteria provided, single submitter. Criteria: GeneDx Variant Classification Process June 2021. Collection method: clinical testing. Allele origin: germline. Affected: yes.

PreventionGenetics, part of Exact Sciences
Classification: Likely benign for AXIN2-related condition. Last evaluated: 2024-03-05. Review status: no assertion criteria provided. Collection method: clinical testing. Allele origin: germline. Not counted in ClinVar's aggregate classification.
Comment: This variant is classified as likely benign based on ACMG/AMP sequence variant interpretation guidelines (Richards et al. 2015 PMID: 25741868, with internal and published modifications).